The following is an entry in ClinVar:

NM_005228.5(EGFR):c.2115G>C (p.Arg705Ser)

Gene: EGFR (epidermal growth factor receptor; plus strand). Cytogenetic location: 7p11.2.
Variant type: single nucleotide variant.
Coding change: c.2115G>C on transcript NM_005228.5 (MANE Select); coding-DNA position 2115, G replaced by C.
Protein change: p.Arg705Ser; replaces arginine 705 with serine.
Molecular consequence: missense variant.
Genome position (GRCh38, 1-based): chr7:55,173,974, G>C. VCF-style: chr7-55173974-G-C. GRCh37 (hg19) VCF-style: chr7-55241667-G-C.
Other names: c.1980G>C, p.Arg660Ser (NM_001346897.2, NM_001346899.2); c.2115G>C, p.Arg705Ser (NM_001346898.2); c.1956G>C, p.Arg652Ser (NM_001346900.2); c.1314G>C, p.Arg438Ser (NM_001346941.2); c.2115G>C (NM_005228.3); short protein forms R438S, R652S, R660S, R705S.
Identifiers: ClinVar variation 1024539 (VCV001024539.11), dbSNP rs1786475897, ClinGen allele CA367583565.
Genomic context (GRCh38, chr7:55,173,974, plus strand): 5'-CCCCCAGCTTGTGGAGCCTCTTACACCCAGTGGAGAAGCTCCCAACCAAGCTCTCTTGAG[G>C]ATCTTGAAGGAAACTGAATTCAAAAAGATCAAAGTGCTGGGCTCCGGTGCGTTCGGCACG-3'
Protein context (NP_005219.2, residues 695-715): SGEAPNQALL[Arg705Ser]ILKETEFKKI

ClinVar aggregate classification (germline): Uncertain significance. Review status: criteria provided, multiple submitters, no conflicts (2 of 4 stars). 2 submissions from 2 submitters: Uncertain significance (2). Last evaluated 2026-01-28.

Conditions:
EGFR-related lung cancer (EGFR). Identifiers: MedGen CN130014.
Hereditary cancer-predisposing syndrome. Also called: Hereditary Cancer Syndrome; Neoplastic Syndromes, Hereditary; Tumor predisposition; Hereditary neoplastic syndrome. Identifiers: Orphanet 140162, MedGen C0027672, MeSH D009386, MONDO:0015356.

Submissions (2):

Ambry Genetics
Classification: Uncertain significance for Hereditary cancer-predisposing syndrome. Last evaluated: 2026-01-28. Review status: criteria provided, single submitter. Criteria: Ambry Variant Classification Scheme 2023. Collection method: clinical testing. Allele origin: germline.
Comment: The p.R705S variant (also known as c.2115G>C), located in coding exon 18 of the EGFR gene, results from a G to C substitution at nucleotide position 2115. The arginine at codon 705 is replaced by serine, an amino acid with dissimilar properties. This amino acid position is highly conserved in available vertebrate species. In addition, this alteration is predicted to be deleterious by in silico analysis. Based on the available evidence, the clinical significance of this variant remains unclear.

Labcorp Genetics (formerly Invitae), Labcorp
Classification: Uncertain significance for EGFR-related lung cancer. Last evaluated: 2025-12-14. Review status: criteria provided, single submitter. Criteria: Invitae Variant Classification Sherloc (09022015). Collection method: clinical testing. Allele origin: germline.
Comment: This sequence change replaces arginine, which is basic and polar, with serine, which is neutral and polar, at codon 705 of the EGFR protein (p.Arg705Ser). This variant is not present in population databases (gnomAD no frequency). This variant has not been reported in the literature in individuals affected with EGFR-related conditions. ClinVar contains an entry for this variant (Variation ID: 1024539). Invitae Evidence Modeling of protein sequence and biophysical properties (such as structural, functional, and spatial information, amino acid conservation, physicochemical variation, residue mobility, and thermodynamic stability) indicates that this missense variant is expected to disrupt EGFR protein function with a positive predictive value of 80%. In summary, the available evidence is currently insufficient to determine the role of this variant in disease. Therefore, it has been classified as a Variant of Uncertain Significance.